The following is an entry in ClinVar:

ClinVar aggregate classification (germline): Uncertain significance (1 of 4 stars; one submission).

Conditions:
Hypertrophic cardiomyopathy. Also called: HYPERTROPHIC MYOCARDIOPATHY. Identifiers: Orphanet 217569, MedGen C0007194, MeSH D002312, MONDO:0005045, HP:0001639.

Submission:

Labcorp Genetics (formerly Invitae), Labcorp
Classification: Uncertain significance for Hypertrophic cardiomyopathy. Last evaluated: 2019-02-20. Review status: criteria provided, single submitter. Criteria: Invitae Variant Classification Sherloc (09022015). Collection method: clinical testing. Allele origin: germline.
Comment: This variant results in a copy number gain of the genomic region encompassing the full coding sequence of the MYOM1 gene. The boundaries of this event are unknown as they extend beyond the assayed region for this gene and therefore may encompass additional genes. As the precise location of this event is unknown, it may be in tandem or it may be located elsewhere in the genome. This variant has not been reported in the literature in individuals with MYOM1-related conditions. In summary, the available evidence is currently insufficient to determine the role of this variant in disease. Therefore, it has been classified as a Variant of Uncertain Significance.

NC_000018.9:g.(?_2656065)_(3215231_?)dup

Genes: EMILIN2 (elastin microfibril interfacer 2; plus strand), LPIN2 (lipin 2; minus strand), MYOM1 (myomesin 1; minus strand), SMCHD1 (structural maintenance of chromosomes flexible hinge domain containing 1; plus strand). Cytogenetic location: 18p11.32-11.31.
Variant type: Duplication.
Identifiers: ClinVar variation 832186 (VCV000832186.1).